The following is an entry in ClinVar:

NM_000204.5(CFI):c.1006C>T (p.Arg336Ter)

Gene: CFI (complement factor I; minus strand). Cytogenetic location: 4q25.
Variant type: single nucleotide variant.
Coding change: c.1006C>T on transcript NM_000204.5 (MANE Select); coding-DNA position 1006, C replaced by T.
Protein change: p.Arg336Ter; replaces arginine 336 with a stop codon.
Molecular consequence: nonsense. On other transcripts: non-coding transcript variant (3).
Genome position (GRCh38, 1-based): chr4:109,749,537, G>A on the plus strand (C>T on the coding strand, the complement: CFI is on the minus strand). VCF-style: chr4-109749537-G-A. GRCh37 (hg19) VCF-style: chr4-110670693-G-A.
Other names: c.1030C>T, p.Arg344Ter (NM_001318057.2, NM_001375278.1); c.985C>T, p.Arg329Ter (NM_001331035.2, NM_001375280.1, NM_001375282.1); c.1006C>T, p.Arg336Ter (NM_001375279.1, NM_001375281.1); c.949C>T, p.Arg317Ter (NM_001375283.1); c.397C>T, p.Arg133Ter (NM_001375284.1); short protein forms R133*, R317*, R329*, R336*, R344*.
Identifiers: ClinVar variation 988219 (VCV000988219.6), dbSNP rs759676430, ClinGen allele CA357859065.

ClinVar aggregate classification (germline): Pathogenic/Likely pathogenic/Pathogenic, low penetrance. Review status: criteria provided, multiple submitters, no conflicts (2 of 4 stars). 4 submissions from 4 submitters: Pathogenic (1); Likely pathogenic (1); Pathogenic, low penetrance (1). 1 of the submissions does not count toward it. Last evaluated 2025-09-26.

Conditions:
CFI-related disorder. Also called: CFI-related condition; CFI-related disorders. Identifiers: MedGen CN239325.
Atypical hemolytic-uremic syndrome. Identifiers: Orphanet 2134, MedGen C2931788, MONDO:0016244.

Submissions (4):

Genomenon, Inc
Classification: Pathogenic, low penetrance for Atypical hemolytic-uremic syndrome. Last evaluated: 2025-09-26. Review status: criteria provided, single submitter. Criteria: Genomenon Sequence Variant Interpretation Standards - Updated. Collection method: curation. Allele origin: germline. Affected: yes.
Comment: CFI p.Arg336Ter (c.1006C>T) is a nonsense variant that introduces a premature stop codon at amino acid position 336, creating a truncated protein that is predicted to undergo nonsense-mediated mRNA decay. This variant has been observed in at least one proband affected with atypical hemolytic-uremic syndrome (PMID:35619721). It is absent or not present at a significant frequency in gnomAD. In conclusion, we classify CFI p.Arg336Ter (c.1006C>T) as a pathogenic, low penetrance variant.

Labcorp Genetics (formerly Invitae), Labcorp
Classification: Pathogenic. Last evaluated: 2025-07-21. Review status: criteria provided, single submitter. Criteria: Invitae Variant Classification Sherloc (09022015). Collection method: clinical testing. Allele origin: germline.
Comment: This sequence change creates a premature translational stop signal (p.Arg336*) in the CFI gene. It is expected to result in an absent or disrupted protein product. Loss-of-function variants in CFI are known to be pathogenic (PMID: 15917334, 16621965, 19065647, 20016463, 22710145). This variant is not present in population databases (gnomAD no frequency). This premature translational stop signal has been observed in individual(s) with atypical hemolytic uremic syndrome (PMID: 35619721). ClinVar contains an entry for this variant (Variation ID: 988219). Algorithms developed to predict the effect of sequence changes on RNA splicing suggest that this variant may disrupt the consensus splice site. For these reasons, this variant has been classified as Pathogenic.

Rady Children's Institute for Genomic Medicine, Rady Children's Hospital San Diego
Classification: Likely pathogenic for CFI-related disorders. Last evaluated: 2024-05-13. Review status: criteria provided, single submitter. Criteria: ACMG Guidelines, 2015. Collection method: clinical testing. Allele origin: germline. Affected: yes.
Comment: This nonsense variant found in exon 9 of 13 is predicted to result in loss of normal protein function through either protein truncation or nonsense-mediated mRNA decay. This variant has been previously reported as a heterozygous change in an individual with atypical hemolytic-uremic syndrome (PMID: 35619721). The c.1006C>T (p.Arg336Ter) variant is present in the heterozygous state in the gnomAD v4 population database at a frequency of 0.0003% (5/1613508) and thus is presumed to be rare. Based on the available evidence, c.1006C>T (p.Arg336Ter) is classified as Likely Pathogenic.

Sydney Genome Diagnostics, Children's Hospital Westmead
Classification: Likely pathogenic for Atypical hemolytic-uremic syndrome. Last evaluated: 2018-12-20. Review status: no assertion criteria provided. Collection method: clinical testing. Allele origin: unknown. Affected: yes. Observed: 1 variant allele, 1 heterozygote. Not counted in ClinVar's aggregate classification.
Comment: This variant creates a premature stop codon p.(Arg336*) and may result in a null allele due to nonsense-mediated mRNA decay. The variant has not been reported in any population databases (i.e. gnomAD, ExAC, ESP or dbSNP). To our knowledge, this variant has not been previously reported in the literature or any disease specific databases. However, other truncating variants downstream of this amino acid have been described in the Database of complement gene variants. This variant is considered to be likely pathogenic according to the ACMG guidelines. (Evidence used: PVS1, PM2)

Literature cited by the submitters: PubMed 35619721 (cited by Genomenon, Inc and Labcorp Genetics (formerly Invitae), Labcorp); PubMed 15917334 (cited by Labcorp Genetics (formerly Invitae), Labcorp); PubMed 16621965 (cited by Labcorp Genetics (formerly Invitae), Labcorp); PubMed 19065647 (cited by Labcorp Genetics (formerly Invitae), Labcorp); PubMed 20016463 (cited by Labcorp Genetics (formerly Invitae), Labcorp); PubMed 22710145 (cited by Labcorp Genetics (formerly Invitae), Labcorp).